The following is an entry in ClinVar:

NM_145059.3(FCSK):c.2138C>G (p.Ala713Gly)

Gene: FCSK (fucose kinase; plus strand). Cytogenetic location: 16q22.1.
Variant type: single nucleotide variant.
Coding change: c.2138C>G on transcript NM_145059.3 (MANE Select); coding-DNA position 2138, C replaced by G.
Protein change: p.Ala713Gly; replaces alanine 713 with glycine.
Molecular consequence: missense variant.
Genome position (GRCh38, 1-based): chr16:70,474,677, C>G. VCF-style: chr16-70474677-C-G. GRCh37 (hg19) VCF-style: chr16-70508580-C-G.
Other names: short protein forms A713G.
Identifiers: ClinVar variation 1705109 (VCV001705109.2), dbSNP rs752968614, ClinGen allele CA8143500.

ClinVar aggregate classification (germline): Uncertain significance (1 of 4 stars; one submission).

Allele frequency attached by ClinVar (database versions not stated): gnomAD 0.00001; TOPMed 0.00001; ExAC 0.00002; gnomAD exomes 0.00003.
gnomAD v4.1: 43 of 1,601,050 alleles (0.0027%); highest among the groups gnomAD compares: Non-Finnish European, 0.0037%; no homozygotes.

Submission:

Women's Health and Genetics/Laboratory Corporation of America, LabCorp
Classification: Uncertain significance. Last evaluated: 2023-09-11. Review status: criteria provided, single submitter. Criteria: LabCorp Variant Classification Summary - May 2015. Collection method: clinical testing. Allele origin: germline.
Comment: Variant summary: FCSK c.2138C>G (p.Ala713Gly) results in a non-conservative amino acid change in the encoded protein sequence. Five of five in-silico tools predict a damaging effect of the variant on protein function. The variant allele was found at a frequency of 1.4e-05 in 221982 control chromosomes (gnomAD). The available data on variant occurrences in the general population are insufficient to allow any conclusion about variant significance. To our knowledge, no occurrence of c.2138C>G in individuals affected with Congenital Disorder Of Glycosylation With Defective Fucosylation and no experimental evidence demonstrating its impact on protein function have been reported. No submitters have cited clinical-significance assessments for this variant to ClinVar after 2014. Based on the evidence outlined above, the variant was classified as uncertain significance.